The following is an entry in ClinVar:

ClinVar aggregate classification (germline): Uncertain significance (1 of 4 stars; one submission).

Submission:

Labcorp Genetics (formerly Invitae), Labcorp
Classification: Uncertain significance. Last evaluated: 2025-11-15. Review status: criteria provided, single submitter. Criteria: Invitae Variant Classification Sherloc (09022015). Collection method: clinical testing. Allele origin: germline.
Comment: This sequence change replaces leucine, which is neutral and non-polar, with phenylalanine, which is neutral and non-polar, at codon 3266 of the ASPM protein (p.Leu3266Phe). This variant is not present in population databases (gnomAD no frequency). This variant has not been reported in the literature in individuals affected with ASPM-related conditions. An algorithm developed to predict the effect of missense changes on protein structure and function (PolyPhen-2) suggests that this variant is likely to be disruptive. In summary, the available evidence is currently insufficient to determine the role of this variant in disease. Therefore, it has been classified as a Variant of Uncertain Significance.

NM_018136.5(ASPM):c.9796C>T (p.Leu3266Phe)

Gene: ASPM (assembly factor for spindle microtubules; minus strand). Cytogenetic location: 1q31.3.
Variant type: single nucleotide variant.
Coding change: c.9796C>T on transcript NM_018136.5 (MANE Select); coding-DNA position 9796, C replaced by T.
Protein change: p.Leu3266Phe; replaces leucine 3266 with phenylalanine.
Molecular consequence: missense variant.
Genome position (GRCh38, 1-based): chr1:197,090,229, G>A on the plus strand (C>T on the coding strand, the complement: ASPM is on the minus strand). VCF-style: chr1-197090229-G-A. GRCh37 (hg19) VCF-style: chr1-197059359-G-A.
Other names: c.5041C>T, p.Leu1681Phe (NM_001206846.2); short protein forms L1681F, L3266F.
Identifiers: ClinVar variation 4701261 (VCV004701261.1).
Genomic context (GRCh38, chr1:197,090,229, plus strand): 5'-TCTTTAAACATGTTAACACAAACTAACCTAGGTGTTTTAAGGCCTCAAGAATGGCAGAAA[G>A]GTGCTTATATGTCAAAAGGTAATGAAGTGCAAGTGCAGTTCTTTTGTAGAGTTTGTTTTC-3'
Protein context (NP_060606.3, residues 3256-3276): ALHYLLTYKH[Leu3266Phe]SAILEALKHL